The following is an entry in ClinVar:

NM_003079.5(SMARCE1):c.446C>T (p.Ala149Val)

Gene: SMARCE1 (SWI/SNF related BAF chromatin remodeling complex subunit E1; minus strand). Cytogenetic location: 17q21.2.
Variant type: single nucleotide variant.
Coding change: c.446C>T on transcript NM_003079.5 (MANE Select); coding-DNA position 446, C replaced by T.
Protein change: p.Ala149Val; replaces alanine 149 with valine.
Molecular consequence: missense variant.
Genome position (GRCh38, 1-based): chr17:40,636,026, G>A on the plus strand (C>T on the coding strand, the complement: SMARCE1 is on the minus strand). VCF-style: chr17-40636026-G-A. GRCh37 (hg19) VCF-style: chr17-38792278-G-A.
Other names: short protein forms A149V.
Identifiers: ClinVar variation 948084 (VCV000948084.9), dbSNP rs2037142942, ClinGen allele CA399366524.

ClinVar aggregate classification (germline): Uncertain significance (1 of 4 stars; one submission).

Conditions:
Familial meningioma. Also called: Meningioma, familial, susceptibility to. Identifiers: Orphanet 263662, MedGen C3551915, MONDO:0011789, OMIM 607174.

Submission:

Labcorp Genetics (formerly Invitae), Labcorp
Classification: Uncertain significance for Familial meningioma. Last evaluated: 2022-09-20. Review status: criteria provided, single submitter. Criteria: Invitae Variant Classification Sherloc (09022015). Collection method: clinical testing. Allele origin: germline.
Comment: In summary, the available evidence is currently insufficient to determine the role of this variant in disease. Therefore, it has been classified as a Variant of Uncertain Significance. Advanced modeling of protein sequence and biophysical properties (such as structural, functional, and spatial information, amino acid conservation, physicochemical variation, residue mobility, and thermodynamic stability) performed at Invitae indicates that this missense variant is not expected to disrupt SMARCE1 protein function. ClinVar contains an entry for this variant (Variation ID: 948084). This variant has not been reported in the literature in individuals affected with SMARCE1-related conditions. This variant is not present in population databases (gnomAD no frequency). This sequence change replaces alanine, which is neutral and non-polar, with valine, which is neutral and non-polar, at codon 149 of the SMARCE1 protein (p.Ala149Val).